The following is an entry in ClinVar:

NM_001127198.5(TMC6):c.2355-66C>T

Gene: TMC6 (transmembrane channel like 6; minus strand). Cytogenetic location: 17q25.3.
Variant type: single nucleotide variant.
Coding change: c.2355-66C>T on transcript NM_001127198.5 (MANE Select); 66 bases into the intron before coding-DNA position 2355, C replaced by T.
Molecular consequence: intron variant.
Genome position (GRCh38, 1-based): chr17:78,113,277, G>A on the plus strand (C>T on the coding strand, the complement: TMC6 is on the minus strand). VCF-style: chr17-78113277-G-A. GRCh37 (hg19) VCF-style: chr17-76109358-G-A.
Other names: c.2175-66C>T (NM_001374594.1, NM_001374593.1); c.2355-66C>T (NM_001374596.1, NM_007267.7, NM_001321185.1 and 2 more transcripts).
Identifiers: ClinVar variation 1279056 (VCV001279056.4), dbSNP rs910557, ClinGen allele CA14441170.

ClinVar aggregate classification (germline): Benign. Review status: criteria provided, multiple submitters, no conflicts (2 of 4 stars). 3 submissions from 3 submitters: Benign (3). Last evaluated 2024-01-24.

Allele frequency attached by ClinVar (database versions not stated): gnomAD exomes 0.15945; ESP Exome Variant Server 0.19689; TOPMed 0.22017; 1000 Genomes Project 0.27137; 1000 Genomes Project 30x 0.27249.

Submissions (3):

Unidad de Genómica Garrahan, Hospital de Pediatría Garrahan
Classification: Benign. Last evaluated: 2024-01-24. Review status: criteria provided, single submitter. Criteria: ACMG Guidelines, 2015. Collection method: clinical testing. Allele origin: germline. Affected: no. Observed: 37 variant alleles.
Comment: This variant is classified as Benign based on local population frequency. This variant was detected in 42% of patients studied by a panel of primary immunodeficiencies. Number of patients: 37. Only high quality variants are reported.

GeneDx
Classification: Benign. Last evaluated: 2018-07-09. Review status: criteria provided, single submitter. Criteria: GeneDx Variant Classification Process June 2021. Collection method: clinical testing. Allele origin: germline. Affected: yes.

Breakthrough Genomics
Classification: Benign. Review status: criteria provided, single submitter. Criteria: ACMG Guidelines, 2015. Collection method: not provided. Allele origin: germline. Inheritance: Autosomal recessive inheritance. Affected: yes.